The following is an entry in ClinVar:

NM_001349253.2(SCN11A):c.4576T>C (p.Ser1526Pro)

Gene: SCN11A (sodium voltage-gated channel alpha subunit 11; minus strand). Cytogenetic location: 3p22.2.
Variant type: single nucleotide variant.
Coding change: c.4576T>C on transcript NM_001349253.2 (MANE Select); coding-DNA position 4576, T replaced by C.
Protein change: p.Ser1526Pro; replaces serine 1526 with proline.
Molecular consequence: missense variant.
Genome position (GRCh38, 1-based): chr3:38,847,494, A>G on the plus strand (T>C on the coding strand, the complement: SCN11A is on the minus strand). VCF-style: chr3-38847494-A-G. GRCh37 (hg19) VCF-style: chr3-38888985-A-G.
Other names: c.4576T>C, p.Ser1526Pro (NM_014139.3); short protein forms S1526P.
Identifiers: ClinVar variation 960511 (VCV000960511.6), dbSNP rs2064693061, ClinGen allele CA352163362.

ClinVar aggregate classification (germline): Uncertain significance (1 of 4 stars; one submission).

Conditions:
Familial episodic pain syndrome with predominantly lower limb involvement. Also called: Episodic pain syndrome, familial, 3. Identifiers: Orphanet 391384, Orphanet 391392, MedGen C3809899, MONDO:0014247, OMIM 615552.
Hereditary sensory and autonomic neuropathy type 7. Also called: HSAN VII; Neuropathy, hereditary sensory and autonomic, type VII. Identifiers: Orphanet 391397, MedGen C3809882, MONDO:0014244, OMIM 615548.

Allele frequency attached by ClinVar (database versions not stated): gnomAD exomes below 0.00001.
gnomAD v4.1: 1 of 1,614,156 alleles (0.000062%); highest among the groups gnomAD compares: South Asian, 0.0011%; no homozygotes.

Submission:

Labcorp Genetics (formerly Invitae), Labcorp
Classification: Uncertain significance for Familial episodic pain syndrome with predominantly lower limb involvement; Hereditary sensory and autonomic neuropathy type 7. Last evaluated: 2023-04-14. Review status: criteria provided, single submitter. Criteria: Invitae Variant Classification Sherloc (09022015). Collection method: clinical testing. Allele origin: germline.
Comment: This sequence change replaces serine, which is neutral and polar, with proline, which is neutral and non-polar, at codon 1526 of the SCN11A protein (p.Ser1526Pro). This variant is not present in population databases (gnomAD no frequency). This variant has not been reported in the literature in individuals affected with SCN11A-related conditions. ClinVar contains an entry for this variant (Variation ID: 960511). Advanced modeling of protein sequence and biophysical properties (such as structural, functional, and spatial information, amino acid conservation, physicochemical variation, residue mobility, and thermodynamic stability) performed at Invitae indicates that this missense variant is not expected to disrupt SCN11A protein function. In summary, the available evidence is currently insufficient to determine the role of this variant in disease. Therefore, it has been classified as a Variant of Uncertain Significance.